The following is an entry in ClinVar:

NM_002875.5(RAD51):c.9G>A (p.Met3Ile)

Gene: RAD51 (RAD51 recombinase; plus strand). Cytogenetic location: 15q15.1.
Variant type: single nucleotide variant.
Coding change: c.9G>A on transcript NM_002875.5 (MANE Select); coding-DNA position 9, G replaced by A.
Protein change: p.Met3Ile; replaces methionine 3 with isoleucine.
Molecular consequence: missense variant.
Genome position (GRCh38, 1-based): chr15:40,698,767, G>A. VCF-style: chr15-40698767-G-A. GRCh37 (hg19) VCF-style: chr15-40990965-G-A.
Other names: c.9G>A, p.Met3Ile (NM_001164269.2, NM_001164270.2, NM_133487.4); short protein forms M3I.
Identifiers: ClinVar variation 1768932 (VCV001768932.2), dbSNP rs2504406185, ClinGen allele CA391744009.

ClinVar aggregate classification (germline): Uncertain significance (1 of 4 stars; one submission).

Conditions:
Inborn genetic diseases. Identifiers: MedGen C0950123, MeSH D030342.

Allele frequency attached by ClinVar (database versions not stated): gnomAD exomes below 0.00001.

Submission:

Ambry Genetics
Classification: Uncertain significance for Inborn genetic diseases. Last evaluated: 2022-08-07. Review status: criteria provided, single submitter. Criteria: Ambry Variant Classification Scheme 2023. Collection method: clinical testing. Allele origin: germline.
Comment: The p.M3I variant (also known as c.9G>A), located in coding exon 1 of the RAD51 gene, results from a G to A substitution at nucleotide position 9. The methionine at codon 3 is replaced by isoleucine, an amino acid with highly similar properties. This amino acid position is conserved. In addition, the in silico prediction for this alteration is inconclusive. Since supporting evidence is limited at this time, the clinical significance of this alteration remains unclear.